The following is an entry in ClinVar:

NM_000059.4(BRCA2):c.7438T>G (p.Leu2480Val)

Gene: BRCA2 (BRCA2 DNA repair associated; plus strand). Cytogenetic location: 13q13.1.
Variant type: single nucleotide variant.
Coding change: c.7438T>G on transcript NM_000059.4 (MANE Select); coding-DNA position 7438, T replaced by G.
Protein change: p.Leu2480Val; replaces leucine 2480 with valine.
Molecular consequence: missense variant.
Genome position (GRCh38, 1-based): chr13:32,356,430, T>G. VCF-style: chr13-32356430-T-G. GRCh37 (hg19) VCF-style: chr13-32930567-T-G.
Other names: short protein forms L2480V.
Identifiers: ClinVar variation 52331 (VCV000052331.26), dbSNP rs80358965, ClinGen allele CA025090.

ClinVar aggregate classification (germline): Conflicting classifications of pathogenicity. Review status: criteria provided, conflicting classifications (1 of 4 stars). 8 submissions from 8 submitters: Uncertain significance (5); Likely benign (2). 1 of the submissions does not count toward it. Last evaluated 2026-03-18.

Conditions:
Hereditary cancer-predisposing syndrome. Also called: Hereditary neoplastic syndrome; Neoplastic Syndromes, Hereditary; Hereditary Cancer Syndrome; Tumor predisposition. Identifiers: Orphanet 140162, MedGen C0027672, MeSH D009386, MONDO:0015356.
Hereditary breast ovarian cancer syndrome. Also called: Hereditary breast and ovarian cancer syndrome (HBOC); Breast and ovarian cancer; Hereditary breast and ovarian cancer syndrome; BRCA1- and BRCA2-Associated Hereditary Breast and Ovarian Cancer; Hereditary breast and/or ovarian cancer syndrome; Hereditary breast and ovarian cancer. Identifiers: Orphanet 145, MedGen C0677776, MeSH D061325, MONDO:0003582. Disease mechanism: loss of function.
Breast-ovarian cancer, familial, susceptibility to, 2 (BROVCA2). Also called: BRCA2 Hereditary Breast and Ovarian Cancer. Identifiers: Orphanet 145, MedGen C2675520, MONDO:0012933, OMIM 612555. Disease mechanism: loss of function.

Allele frequency attached by ClinVar (database versions not stated): gnomAD exomes below 0.00001 and 0.00001; gnomAD 0.00001; ExAC 0.00002; 1000 Genomes Project 30x 0.00031; 1000 Genomes Project 0.00040.
gnomAD v4.1: 8 of 1,612,824 alleles (0.0005%); highest among the groups gnomAD compares: Middle Eastern, 0.017%; no homozygotes.

Submissions (8):

Women's Health and Genetics/Laboratory Corporation of America, LabCorp
Classification: Uncertain significance. Last evaluated: 2026-03-18. Review status: criteria provided, single submitter. Criteria: LabCorp Variant Classification Summary - May 2015. Collection method: clinical testing. Allele origin: germline.
Comment: Variant summary: BRCA2 c.7438T>G (p.Leu2480Val) results in a conservative amino acid change in the encoded protein sequence. Algorithms developed to predict the effect of missense changes on protein structure and function all suggest that this variant is likely to be tolerated. Consensus agreement among computation tools predict no significant impact on normal splicing. However, these predictions have yet to be confirmed by functional studies. The variant allele was found at a frequency of 8e-06 in 251152 control chromosomes. The available data on variant occurrences in the general population are insufficient to allow any conclusion about variant significance. c.7438T>G has been observed in individual(s) affected with Hereditary Breast And Ovarian Cancer Syndrome (Singh_2018, Torrorey-Sawe_2020). These report(s) do not provide unequivocal conclusions about association of the variant with Hereditary Breast And Ovarian Cancer Syndrome. To our knowledge, no experimental evidence demonstrating an impact on protein function has been reported. The following publications have been ascertained in the context of this evaluation (PMID: 19043619, 29470806, 32231682). ClinVar contains an entry for this variant (Variation ID: 52331). Based on the evidence outlined above, the variant was classified as uncertain significance.

Labcorp Genetics (formerly Invitae), Labcorp
Classification: Uncertain significance for Hereditary breast ovarian cancer syndrome. Last evaluated: 2025-11-17. Review status: criteria provided, single submitter. Criteria: Invitae Variant Classification Sherloc (09022015). Collection method: clinical testing. Allele origin: germline.
Comment: This sequence change replaces leucine, which is neutral and non-polar, with valine, which is neutral and non-polar, at codon 2480 of the BRCA2 protein (p.Leu2480Val). This variant is present in population databases (rs80358965, gnomAD 0.01%). This missense change has been observed in individual(s) with breast and/or ovarian cancer (PMID: 29470806, 32231682). ClinVar contains an entry for this variant (Variation ID: 52331). An algorithm developed specifically for the BRCA2 gene suggests that this missense change is likely to be tolerated (PMID: 19043619). In summary, the available evidence is currently insufficient to determine the role of this variant in disease. Therefore, it has been classified as a Variant of Uncertain Significance.

Ambry Genetics
Classification: Likely benign for Hereditary cancer-predisposing syndrome. Last evaluated: 2025-05-15. Review status: criteria provided, single submitter. Criteria: Ambry Variant Classification Scheme 2023. Collection method: clinical testing. Allele origin: germline.

Center for Genomic Medicine, Rigshospitalet, Copenhagen University Hospital
Classification: Uncertain significance. Last evaluated: 2025-03-04. Review status: criteria provided, single submitter. Criteria: ACMG Guidelines, 2015. Collection method: clinical testing. Allele origin: germline.

ARUP Laboratories, Molecular Genetics and Genomics, ARUP Laboratories
Classification: Likely benign. Last evaluated: 2024-06-13. Review status: criteria provided, single submitter. Criteria: ARUP Molecular Germline Variant Investigation Process 2024. Collection method: clinical testing. Allele origin: germline.

GeneDx
Classification: Uncertain significance. Last evaluated: 2023-09-18. Review status: criteria provided, single submitter. Criteria: GeneDx Variant Classification Process June 2021. Collection method: clinical testing. Allele origin: germline. Affected: yes.
Comment: Observed in individuals with breast or ovarian cancer (Singh et al., 2018; Torrorey-Sawe et al., 2020); Not observed at significant frequency in large population cohorts (gnomAD); In silico analysis supports that this missense variant does not alter protein structure/function; Also known as 7666T>G; This variant is associated with the following publications: (PMID: 19043619, 29470806, 32231682, 32377563, 31853058, 29884841)

Color Diagnostics, LLC DBA Color Health
Classification: Uncertain significance for Hereditary cancer-predisposing syndrome. Last evaluated: 2019-06-22. Review status: criteria provided, single submitter. Criteria: ACMG Guidelines, 2015. Collection method: clinical testing. Allele origin: germline.

Breast Cancer Information Core (BIC) (BRCA2)
Classification: Uncertain significance for Breast-ovarian cancer, familial 2. Last evaluated: 1998-11-30. Review status: no assertion criteria provided. Collection method: clinical testing. Allele origin: germline. Affected: yes. Observed: 1 variant allele. Not counted in ClinVar's aggregate classification.

Literature cited by the submitters: PubMed 19043619 (cited by 3 submitters); PubMed 29470806 (cited by 3 submitters); PubMed 32231682 (cited by 3 submitters).